The following is an entry in ClinVar:

ClinVar aggregate classification (germline): Uncertain significance. Review status: criteria provided, multiple submitters, no conflicts (2 of 4 stars). 2 submissions from 2 submitters: Uncertain significance (2). Last evaluated 2022-06-12.

Conditions:
Inborn genetic diseases. Identifiers: MedGen C0950123, MeSH D030342.

Allele frequency attached by ClinVar (database versions not stated): gnomAD 0.00001; gnomAD exomes 0.00001; TOPMed 0.00001.
gnomAD v4.1: 9 of 1,447,990 alleles (0.00062%); highest among the groups gnomAD compares: East Asian, 0.0026%; no homozygotes.

Submissions (2):

Labcorp Genetics (formerly Invitae), Labcorp
Classification: Uncertain significance. Last evaluated: 2022-06-12. Review status: criteria provided, single submitter. Criteria: Invitae Variant Classification Sherloc (09022015). Collection method: clinical testing. Allele origin: germline.
Comment: Algorithms developed to predict the effect of missense changes on protein structure and function are either unavailable or do not agree on the potential impact of this missense change (SIFT: "Deleterious"; PolyPhen-2: "Not Available"; Align-GVGD: "Class C0"). In summary, the available evidence is currently insufficient to determine the role of this variant in disease. Therefore, it has been classified as a Variant of Uncertain Significance. This variant has not been reported in the literature in individuals affected with MFSD2A-related conditions. The frequency data for this variant in the population databases is considered unreliable, as metrics indicate poor data quality at this position in the gnomAD database. This sequence change replaces glycine, which is neutral and non-polar, with tryptophan, which is neutral and slightly polar, at codon 14 of the MFSD2A protein (p.Gly14Trp).

Ambry Genetics
Classification: Uncertain significance for Inborn genetic diseases. Last evaluated: 2022-02-10. Review status: criteria provided, single submitter. Criteria: Ambry Variant Classification Scheme 2023. Collection method: clinical testing. Allele origin: germline.

NM_032793.5(MFSD2A):c.40G>T (p.Gly14Trp)

Gene: MFSD2A (MFSD2 lysolipid transporter A, lysophospholipid; plus strand). Cytogenetic location: 1p34.2.
Variant type: single nucleotide variant.
Coding change: c.40G>T on transcript NM_032793.5 (MANE Select); coding-DNA position 40, G replaced by T.
Protein change: p.Gly14Trp; replaces glycine 14 with tryptophan.
Molecular consequence: missense variant. On other transcripts: 5 prime UTR variant (2), non-coding transcript variant (1).
Genome position (GRCh38, 1-based): chr1:39,955,332, G>T. VCF-style: chr1-39955332-G-T. GRCh37 (hg19) VCF-style: chr1-40421004-G-T.
Other names: c.40G>T, p.Gly14Trp (NM_001136493.3, NM_001287809.2, NM_001349821.2 and 1 more transcripts); c.-169G>T (NM_001287808.2); c.-302G>T (NM_001349823.2); short protein forms G14W.
Identifiers: ClinVar variation 2128979 (VCV002128979.5), dbSNP rs1417197637, ClinGen allele CA339828187.